The following is an entry in ClinVar:

ClinVar aggregate classification (germline): Uncertain significance. Review status: criteria provided, multiple submitters, no conflicts (2 of 4 stars). 2 submissions from 2 submitters: Uncertain significance (2). Last evaluated 2023-02-24.

Conditions:
Inborn genetic diseases. Identifiers: MedGen C0950123, MeSH D030342.
Autosomal dominant Parkinson disease 8. Also called: Parkinson disease 8, susceptibility to; LRRK2-Related Parkinson Disease; Parkinson disease 8. Identifiers: Orphanet 411602, MedGen C1846862, MONDO:0011764, OMIM 607060.

Allele frequency attached by ClinVar (database versions not stated): gnomAD exomes below 0.00001; TOPMed below 0.00001; gnomAD 0.00001.
gnomAD v4.1: 2 of 1,612,764 alleles (0.00012%); highest among the groups gnomAD compares: East Asian, 0.0022%; no homozygotes.

Submissions (2):

Ambry Genetics
Classification: Uncertain significance for Inborn genetic diseases. Last evaluated: 2023-02-24. Review status: criteria provided, single submitter. Criteria: Ambry Variant Classification Scheme 2023. Collection method: clinical testing. Allele origin: germline.
Comment: The p.I207T variant (also known as c.620T>C), located in coding exon 6 of the LRRK2 gene, results from a T to C substitution at nucleotide position 620. The isoleucine at codon 207 is replaced by threonine, an amino acid with similar properties. This amino acid position is conserved. In addition, this alteration is predicted to be tolerated by in silico analysis. Since supporting evidence is limited at this time, the clinical significance of this alteration remains unclear.

Labcorp Genetics (formerly Invitae), Labcorp
Classification: Uncertain significance for Autosomal dominant Parkinson disease 8. Last evaluated: 2019-01-27. Review status: criteria provided, single submitter. Criteria: Invitae Variant Classification Sherloc (09022015). Collection method: clinical testing. Allele origin: germline.
Comment: In summary, the available evidence is currently insufficient to determine the role of this variant in disease. Therefore, it has been classified as a Variant of Uncertain Significance. Algorithms developed to predict the effect of missense changes on protein structure and function output the following: SIFT: "Deleterious"; PolyPhen-2: "Benign"; Align-GVGD: "Class C0". The threonine amino acid residue is found in multiple mammalian species, suggesting that this missense change does not adversely affect protein function. These predictions have not been confirmed by published functional studies and their clinical significance is uncertain. This variant has not been reported in the literature in individuals with LRRK2-related conditions. This variant is not present in population databases (ExAC no frequency). This sequence change replaces isoleucine with threonine at codon 207 of the LRRK2 protein (p.Ile207Thr). The isoleucine residue is weakly conserved and there is a moderate physicochemical difference between isoleucine and threonine.

NM_198578.4(LRRK2):c.620T>C (p.Ile207Thr)

Gene: LRRK2 (leucine rich repeat kinase 2; plus strand). Cytogenetic location: 12q12.
Variant type: single nucleotide variant.
Coding change: c.620T>C on transcript NM_198578.4 (MANE Select); coding-DNA position 620, T replaced by C.
Protein change: p.Ile207Thr; replaces isoleucine 207 with threonine.
Molecular consequence: missense variant.
Genome position (GRCh38, 1-based): chr12:40,240,531, T>C. VCF-style: chr12-40240531-T-C. GRCh37 (hg19) VCF-style: chr12-40634333-T-C.
Other names: short protein forms I207T.
Identifiers: ClinVar variation 863118 (VCV000863118.11), dbSNP rs1458896948, ClinGen allele CA384404684.